The following is an entry in ClinVar:

ClinVar aggregate classification (germline): Uncertain significance (1 of 4 stars; one submission).

gnomAD v4.1: 3 of 1,613,402 alleles (0.00019%); highest among the groups gnomAD compares: East Asian, 0.0022%; no homozygotes.

Submission:

Labcorp Genetics (formerly Invitae), Labcorp
Classification: Uncertain significance. Last evaluated: 2025-07-02. Review status: criteria provided, single submitter. Criteria: Invitae Variant Classification Sherloc (09022015). Collection method: clinical testing. Allele origin: germline.
Comment: This sequence change replaces alanine, which is neutral and non-polar, with threonine, which is neutral and polar, at codon 932 of the DGKZ protein (p.Ala932Thr). This variant is present in population databases (no rsID available, gnomAD 0.003%). This variant has not been reported in the literature in individuals affected with DGKZ-related conditions. ClinVar contains an entry for this variant (Variation ID: 1978918). An algorithm developed to predict the effect of missense changes on protein structure and function (PolyPhen-2) suggests that this variant is likely to be tolerated. In summary, the available evidence is currently insufficient to determine the role of this variant in disease. Therefore, it has been classified as a Variant of Uncertain Significance.

NM_001199267.2(DGKZ):c.2227G>A (p.Ala743Thr)

Gene: DGKZ (diacylglycerol kinase zeta; plus strand). Cytogenetic location: 11p11.2.
Variant type: single nucleotide variant.
Coding change: c.2227G>A on transcript NM_001199267.2 (MANE Select); coding-DNA position 2227, G replaced by A.
Protein change: p.Ala743Thr; replaces alanine 743 with threonine.
Molecular consequence: missense variant.
Genome position (GRCh38, 1-based): chr11:46,377,100, G>A. VCF-style: chr11-46377100-G-A. GRCh37 (hg19) VCF-style: chr11-46398650-G-A.
Other names: c.2794G>A, p.Ala932Thr (NM_001105540.2); c.2230G>A, p.Ala744Thr (NM_001199266.2, NM_003646.4); c.2161G>A, p.Ala721Thr (NM_001199268.2); c.2278G>A, p.Ala760Thr (NM_201532.3); c.2242G>A, p.Ala748Thr (NM_201533.3); short protein forms A744T, A721T, A760T, A932T, A743T, A748T.
Identifiers: ClinVar variation 1978918 (VCV001978918.4), dbSNP rs1314032389, ClinGen allele CA380226058.